The following is an entry in ClinVar:

NM_002661.5(PLCG2):c.3004C>T (p.Leu1002Phe)

Gene: PLCG2 (phospholipase C gamma 2; plus strand). Cytogenetic location: 16q23.3.
Variant type: single nucleotide variant.
Coding change: c.3004C>T on transcript NM_002661.5 (MANE Select); coding-DNA position 3004, C replaced by T.
Protein change: p.Leu1002Phe; replaces leucine 1002 with phenylalanine.
Molecular consequence: missense variant.
Genome position (GRCh38, 1-based): chr16:81,936,330, C>T. VCF-style: chr16-81936330-C-T. GRCh37 (hg19) VCF-style: chr16-81969935-C-T.
Other names: short protein forms L1002F.
Identifiers: ClinVar variation 574443 (VCV000574443.8), dbSNP rs977656147, ClinGen allele CA396906121.

ClinVar aggregate classification (germline): Uncertain significance (1 of 4 stars; one submission).

Conditions:
Familial cold autoinflammatory syndrome 3 (FCAS3). Also called: FAMILIAL ATYPICAL COLD URTICARIA; ANTIBODY DEFICIENCY AND IMMUNE DYSREGULATION, PLCG2-ASSOCIATED. Identifiers: Orphanet 300359, MedGen C3280914, MONDO:0013766, OMIM 614468.

Allele frequency attached by ClinVar (database versions not stated): TOPMed 0.00002.
gnomAD v4.1: 5 of 1,614,092 alleles (0.00031%); highest among the groups gnomAD compares: Non-Finnish European, 0.00042%; no homozygotes.

Submission:

Labcorp Genetics (formerly Invitae), Labcorp
Classification: Uncertain significance for Familial cold autoinflammatory syndrome 3. Last evaluated: 2018-06-25. Review status: criteria provided, single submitter. Criteria: Invitae Variant Classification Sherloc (09022015). Collection method: clinical testing. Allele origin: germline.
Comment: In summary, the available evidence is currently insufficient to determine the role of this variant in disease. Therefore, it has been classified as a Variant of Uncertain Significance. Algorithms developed to predict the effect of missense changes on protein structure and function output the following: SIFT: "Tolerated"; PolyPhen-2: "Benign"; Align-GVGD: "Class C0". The phenylalanine amino acid residue is found in multiple mammalian species, suggesting that this missense change does not adversely affect protein function. These predictions have not been confirmed by published functional studies and their clinical significance is uncertain. This variant has not been reported in the literature in individuals with PLCG2-related disease. This variant is not present in population databases (ExAC no frequency). This sequence change replaces leucine with phenylalanine at codon 1002 of the PLCG2 protein (p.Leu1002Phe). The leucine residue is highly conserved and there is a small physicochemical difference between leucine and phenylalanine.